The following is an entry in ClinVar:

NM_000487.6(ARSA):c.658C>A (p.Pro220Thr)

Gene: ARSA (arylsulfatase A; minus strand). Cytogenetic location: 22q13.33.
Variant type: single nucleotide variant.
Coding change: c.658C>A on transcript NM_000487.6 (MANE Select); coding-DNA position 658, C replaced by A.
Protein change: p.Pro220Thr; replaces proline 220 with threonine.
Molecular consequence: missense variant.
Genome position (GRCh38, 1-based): chr22:50,626,860, G>T on the plus strand (C>A on the coding strand, the complement: ARSA is on the minus strand). VCF-style: chr22-50626860-G-T. GRCh37 (hg19) VCF-style: chr22-51065288-G-T.
Other names: c.658C>A, p.Pro220Thr (NM_001085425.3, NM_001085426.3, NM_001085427.3); c.400C>A, p.Pro134Thr (NM_001085428.3, NM_001362782.2); short protein forms P134T, P220T.
Identifiers: ClinVar variation 2081393 (VCV002081393.4), dbSNP rs146173768, ClinGen allele CA10324953.

ClinVar aggregate classification (germline): Uncertain significance. Review status: criteria provided, multiple submitters, no conflicts (2 of 4 stars). 2 submissions from 2 submitters: Uncertain significance (2). Last evaluated 2026-03-02.

Conditions:
Metachromatic leukodystrophy (MLD). Also called: ARSA DEFICIENCY; SULFATIDE LIPIDOSIS; Arylsulfatase A Deficiency; CEREBROSIDE SULFATASE DEFICIENCY; Cerebral sclerosis diffuse metachromatic form; METACHROMATIC LEUKOENCEPHALOPATHY. Identifiers: Orphanet 512, MedGen C0023522, MONDO:0018868, OMIM 250100.

Allele frequency attached by ClinVar (database versions not stated): ExAC 0.00007; ESP Exome Variant Server 0.00023; gnomAD 0.00026; TOPMed 0.00029.

Submissions (2):

GeneDx
Classification: Uncertain significance. Last evaluated: 2026-03-02. Review status: criteria provided, single submitter. Criteria: GeneDx Variant Classification Process June 2021. Collection method: clinical testing. Allele origin: germline.
Comment: In silico analysis supports that this missense variant has a deleterious effect on protein structure/function; Has not been previously published as pathogenic or benign to our knowledge

Labcorp Genetics (formerly Invitae), Labcorp
Classification: Uncertain significance for Metachromatic leukodystrophy. Last evaluated: 2022-10-03. Review status: criteria provided, single submitter. Criteria: Invitae Variant Classification Sherloc (09022015). Collection method: clinical testing. Allele origin: germline.
Comment: This sequence change replaces proline, which is neutral and non-polar, with threonine, which is neutral and polar, at codon 220 of the ARSA protein (p.Pro220Thr). This variant is present in population databases (rs146173768, gnomAD 0.09%). This variant has not been reported in the literature in individuals affected with ARSA-related conditions. Advanced modeling of protein sequence and biophysical properties (such as structural, functional, and spatial information, amino acid conservation, physicochemical variation, residue mobility, and thermodynamic stability) performed at Invitae indicates that this missense variant is expected to disrupt ARSA protein function. In summary, the available evidence is currently insufficient to determine the role of this variant in disease. Therefore, it has been classified as a Variant of Uncertain Significance.